The following is an entry in ClinVar:

NM_001367624.2(ZNF469):c.10204T>C (p.Tyr3402His)

Gene: ZNF469 (zinc finger protein 469; plus strand). Cytogenetic location: 16q24.2.
Variant type: single nucleotide variant.
Coding change: c.10204T>C on transcript NM_001367624.2 (MANE Select); coding-DNA position 10204, T replaced by C.
Protein change: p.Tyr3402His; replaces tyrosine 3402 with histidine.
Molecular consequence: missense variant.
Genome position (GRCh38, 1-based): chr16:88,437,674, T>C. VCF-style: chr16-88437674-T-C. GRCh37 (hg19) VCF-style: chr16-88504082-T-C.
Other names: NM_001127464.1:c.10120T>C; short protein forms Y3402H.
Identifiers: ClinVar variation 4867022 (VCV004867022.1).
Genomic context (GRCh38, chr16:88,437,674, plus strand): 5'-GCACACCTGGGCGGGGCGCACGGGCTGCTGGAGCGGCCGGAGCTGCAGCACACGCCGCTG[T>C]ATGCCTGCGAGCTCTGCGCCACGGTTATGCGCATCATCAAGAAGTCCTTCGCCTGCAGCT-3'
Protein context (NP_001354553.1, residues 3392-3412): ERPELQHTPL[Tyr3402His]ACELCATVMR

ClinVar aggregate classification (germline): Uncertain significance (1 of 4 stars; one submission).

Conditions:
Cardiovascular phenotype. Identifiers: MedGen CN230736.

gnomAD v4.1: 12 of 1,549,272 alleles (0.00077%); highest among the groups gnomAD compares: Non-Finnish European, 0.001%; no homozygotes.

Submission:

Ambry Genetics
Classification: Uncertain significance for Cardiovascular phenotype. Last evaluated: 2026-05-28. Review status: criteria provided, single submitter. Criteria: Ambry Variant Classification Scheme 2023. Collection method: clinical testing. Allele origin: germline.
Comment: The p.Y3374H variant (also known as c.10120T>C), located in coding exon 2 of the ZNF469 gene, results from a T to C substitution at nucleotide position 10120. The tyrosine at codon 3374 is replaced by histidine, an amino acid with similar properties. This amino acid position is conserved. In addition, this alteration is predicted to be tolerated by in silico analysis. Based on the available evidence, the clinical significance of this variant remains unclear.